The following is an entry in ClinVar:

ClinVar aggregate classification (germline): Likely benign (1 of 4 stars; one submission).

gnomAD v4.1: 13 of 1,612,716 alleles (0.00081%); highest among the groups gnomAD compares: East Asian, 0.018%; no homozygotes.

Submission:

CeGaT Center for Human Genetics Tuebingen
Classification: Likely benign. Last evaluated: 2022-05-01. Review status: criteria provided, single submitter. Criteria: CeGaT Center For Human Genetics Tuebingen Variant Classification Criteria Version 2. Collection method: clinical testing. Allele origin: germline. Affected: yes. Observed: 1 variant allele.
Comment: SMARCA2: BP4

NM_003070.5(SMARCA2):c.3457-7C>G

Gene: SMARCA2 (SWI/SNF related BAF chromatin remodeling complex subunit ATPase 2; plus strand). Cytogenetic location: 9p24.3.
Variant type: single nucleotide variant.
Coding change: c.3457-7C>G on transcript NM_003070.5 (MANE Select); 7 bases into the intron before coding-DNA position 3457, C replaced by G.
Molecular consequence: intron variant.
Genome position (GRCh38, 1-based): chr9:2,115,815, C>G. VCF-style: chr9-2115815-C-G. GRCh37 (hg19) VCF-style: chr9-2115815-C-G.
Other names: c.3457-7C>G (NM_139045.4, NM_001289396.2); c.3283-7C>G (NM_001289397.2).
Identifiers: ClinVar variation 2659034 (VCV002659034.23), dbSNP rs762843612, ClinGen allele CA586168275.